The following is an entry in ClinVar:

ClinVar aggregate classification (germline): Uncertain significance. Review status: criteria provided, multiple submitters, no conflicts (2 of 4 stars). 4 submissions from 4 submitters: Uncertain significance (3). 1 of the submissions does not count toward it. Last evaluated 2025-01-22.

Conditions:
Hereditary cancer-predisposing syndrome. Also called: Tumor predisposition; Hereditary Cancer Syndrome; Hereditary neoplastic syndrome; Neoplastic Syndromes, Hereditary. Identifiers: Orphanet 140162, MedGen C0027672, MeSH D009386, MONDO:0015356.
Microcephaly, normal intelligence and immunodeficiency (NBS). Also called: IMMUNODEFICIENCY, MICROCEPHALY, AND CHROMOSOMAL INSTABILITY; SEEMANOVA SYNDROME II; Nijmegen breakage syndrome; Microcephaly with normal intelligence immunodeficiency and lymphoreticular malignancies; Nonsyndromal microcephaly autosomal recessive with normal intelligence; Seemanova syndrome 2. Identifiers: Orphanet 647, MedGen C0398791, MONDO:0009623, OMIM 251260.

gnomAD v4.1: 1 of 1,599,318 alleles (0.000063%); highest among the groups gnomAD compares: Non-Finnish European, 0.000086%; no homozygotes.

Submissions (4):

Ambry Genetics
Classification: Uncertain significance for Hereditary cancer-predisposing syndrome. Last evaluated: 2025-01-22. Review status: criteria provided, single submitter. Criteria: Ambry Variant Classification Scheme 2023. Collection method: clinical testing. Allele origin: germline.
Comment: The p.P304R variant (also known as c.911C>G), located in coding exon 8 of the NBN gene, results from a C to G substitution at nucleotide position 911. The proline at codon 304 is replaced by arginine, an amino acid with dissimilar properties. This amino acid position is well conserved in available vertebrate species. In addition, this alteration is predicted to be tolerated by in silico analysis. Since supporting evidence is limited at this time, the clinical significance of this alteration remains unclear.

Labcorp Genetics (formerly Invitae), Labcorp
Classification: Uncertain significance for Microcephaly, normal intelligence and immunodeficiency. Last evaluated: 2023-10-04. Review status: criteria provided, single submitter. Criteria: Invitae Variant Classification Sherloc (09022015). Collection method: clinical testing. Allele origin: germline.
Comment: This sequence change replaces proline, which is neutral and non-polar, with arginine, which is basic and polar, at codon 304 of the NBN protein (p.Pro304Arg). This variant is not present in population databases (gnomAD no frequency). This variant has not been reported in the literature in individuals affected with NBN-related conditions. ClinVar contains an entry for this variant (Variation ID: 233399). An algorithm developed to predict the effect of missense changes on protein structure and function (PolyPhen-2) suggests that this variant¬†is likely to be tolerated. In summary, the available evidence is currently insufficient to determine the role of this variant in disease. Therefore, it has been classified as a Variant of Uncertain Significance.

Genome-Nilou Lab
Classification: Uncertain significance for Microcephaly, normal intelligence and immunodeficiency. Last evaluated: 2021-11-07. Review status: criteria provided, single submitter. Criteria: ACMG Guidelines, 2015. Collection method: clinical testing. Allele origin: germline. Affected: no.

Department of Pathology and Laboratory Medicine, Sinai Health System
Classification: Uncertain significance. Review status: no assertion criteria provided. Collection method: clinical testing. Allele origin: unknown. Affected: yes. Study: The Canadian Open Genetics Repository (COGR). Not counted in ClinVar's aggregate classification.
Comment: The NBN p.Pro304Arg variant was not identified in the literature nor was it identified in Cosmic or LOVD 3.0. The variant was identified in dbSNP (ID: rs536965870) and in ClinVar (classified as a VUS by Invitae, Color and Ambry Genetics). The variant was not identified in the following control databases: the 1000 Genomes Project, the NHLBI GO Exome Sequencing Project, the Exome Aggregation Consortium (August 8th 2016), or the Genome Aggregation Database (Feb 27, 2017). The p.Pro304 residue is conserved in mammals and computational analyses (PolyPhen-2, SIFT, AlignGVGD, BLOSUM, MutationTaster) provide inconsistent predictions regarding the impact to the protein; this information is not very predictive of pathogenicity. The variant occurs outside of the splicing consensus sequence and in silico or computational prediction software programs (SpliceSiteFinder, MaxEntScan, NNSPLICE, GeneSplicer) do not predict a difference in splicing. In summary, based on the above information the clinical significance of this variant cannot be determined with certainty at this time. This variant is classified as a variant of uncertain significance.

NM_002485.5(NBN):c.911C>G (p.Pro304Arg)

Gene: NBN (nibrin; minus strand). Cytogenetic location: 8q21.3.
Variant type: single nucleotide variant.
Coding change: c.911C>G on transcript NM_002485.5 (MANE Select); coding-DNA position 911, C replaced by G.
Protein change: p.Pro304Arg; replaces proline 304 with arginine.
Molecular consequence: missense variant.
Genome position (GRCh38, 1-based): chr8:89,964,493, G>C on the plus strand (C>G on the coding strand, the complement: NBN is on the minus strand). VCF-style: chr8-89964493-G-C. GRCh37 (hg19) VCF-style: chr8-90976721-G-C.
Other names: c.665C>G, p.Pro222Arg (NM_001024688.3); short protein forms P304R, P222R.
Identifiers: ClinVar variation 233399 (VCV000233399.19), dbSNP rs536965870, ClinGen allele CA10578785.